The following is an entry in ClinVar:

NM_021102.4(SPINT2):c.406A>G (p.Asn136Asp)

Gene: SPINT2 (serine peptidase inhibitor, Kunitz type 2; plus strand). Cytogenetic location: 19q13.2.
Variant type: single nucleotide variant.
Coding change: c.406A>G on transcript NM_021102.4 (MANE Select); coding-DNA position 406, A replaced by G.
Protein change: p.Asn136Asp; replaces asparagine 136 with aspartic acid.
Molecular consequence: missense variant.
Genome position (GRCh38, 1-based): chr19:38,290,133, A>G. VCF-style: chr19-38290133-A-G. GRCh37 (hg19) VCF-style: chr19-38780773-A-G.
Other names: c.235A>G, p.Asn79Asp (NM_001166103.2); c.406A>G (NM_021102.3); short protein forms N79D, N136D.
Identifiers: ClinVar variation 1355375 (VCV001355375.4), dbSNP rs1195665162, ClinGen allele CA405633348.

ClinVar aggregate classification (germline): Uncertain significance (1 of 4 stars; one submission).

Conditions:
Congenital sodium diarrhea. Also called: Congenital secretory diarrhea, sodium type. Identifiers: Orphanet 103908, MedGen C0267663, MONDO:0015170.

Allele frequency attached by ClinVar (database versions not stated): gnomAD exomes 0.00003 and 0.00001.
gnomAD v4.1: 8 of 1,612,546 alleles (0.0005%); highest among the groups gnomAD compares: Admixed American, 0.013%; no homozygotes.

Submission:

Labcorp Genetics (formerly Invitae), Labcorp
Classification: Uncertain significance. Last evaluated: 2022-02-10. Review status: criteria provided, single submitter. Criteria: Invitae Variant Classification Sherloc (09022015). Collection method: clinical testing. Allele origin: germline.
Comment: This sequence change replaces asparagine, which is neutral and polar, with aspartic acid, which is acidic and polar, at codon 136 of the SPINT2 protein (p.Asn136Asp). This variant is present in population databases (no rsID available, gnomAD 0.02%). This variant has not been reported in the literature in individuals affected with SPINT2-related conditions. Algorithms developed to predict the effect of missense changes on protein structure and function are either unavailable or do not agree on the potential impact of this missense change (SIFT: "Deleterious"; PolyPhen-2: "Benign"; Align-GVGD: "Class C0"). In summary, the available evidence is currently insufficient to determine the role of this variant in disease. Therefore, it has been classified as a Variant of Uncertain Significance.